The following is an entry in ClinVar:

ClinVar aggregate classification (germline): Likely benign (1 of 4 stars; one submission).

Allele frequency attached by ClinVar (database versions not stated): 1000 Genomes Project 30x 0.00094; 1000 Genomes Project 0.00100; gnomAD 0.00169; TOPMed 0.00175.
gnomAD v4.1: 255 of 152,242 alleles (0.17%); highest among the groups gnomAD compares: African/African-American, 0.59%; 5 homozygotes.

Submission:

CeGaT Center for Human Genetics Tuebingen
Classification: Likely benign. Last evaluated: 2022-11-01. Review status: criteria provided, single submitter. Criteria: CeGaT Center For Human Genetics Tuebingen Variant Classification Criteria Version 2. Collection method: clinical testing. Allele origin: germline. Affected: yes. Observed: 1 variant allele.
Comment: MYT1L: BS2

NM_001303052.2(MYT1L):c.3080+4019C>T

Gene: MYT1L (myelin transcription factor 1 like; minus strand). Cytogenetic location: 2p25.3.
Variant type: single nucleotide variant.
Coding change: c.3080+4019C>T on transcript NM_001303052.2 (MANE Select); 4019 bases into the intron after coding-DNA position 3080, C replaced by T.
Molecular consequence: intron variant.
Genome position (GRCh38, 1-based): chr2:1,835,130, G>A on the plus strand (C>T on the coding strand, the complement: MYT1L is on the minus strand). VCF-style: chr2-1835130-G-A. GRCh37 (hg19) VCF-style: chr2-1838902-G-A.
Other names: c.3074+4019C>T (NM_015025.4, NM_001329847.2, NM_001329848.1 and 3 more transcripts); c.3080+4019C>T (NM_001329844.2, NM_001329845.1, NM_001329851.3).
Identifiers: ClinVar variation 2650617 (VCV002650617.24), dbSNP rs141778098, ClinGen allele CA41397255.